The following is an entry in ClinVar:

NR_023343.3(RNU4ATAC):n.5A>C

Genes: CLASP1 (cytoplasmic linker associated protein 1; minus strand), CLASP1-AS1 (CLASP1 antisense RNA 1; plus strand), RNU4ATAC (RNA, U4atac small nuclear; plus strand). Cytogenetic location: 2q14.2.
Variant type: single nucleotide variant.
Molecular consequence: intron variant (on NM_001395891.1).
Genome position: GRCh38 VCF-style: chr2-121530884-A-C. GRCh37 (hg19) VCF-style: chr2-122288460-A-C.
Other names: 5A-C; c.196-559T>G (NM_001142274.2, NM_015282.3, NM_001378003.1 and 5 more transcripts).
Identifiers: ClinVar variation 932367 (VCV000932367.41), dbSNP rs533487249, ClinGen allele CA1854676.
Genomic context (GRCh38, chr2:121,530,884, plus strand): 5'-CACAACCCTACCAGGTATTGGCGCTTCCTGCTTGCAGCCCAGGGACTTTCTATTATAACC[A>C]TCCTTTTCTTGGGGTTGCGCTACTGTCCAATGAGCGCATAGTGAGGGCAGTACTGCTAAC-3'

ClinVar aggregate classification (germline): Conflicting classifications of pathogenicity. Review status: criteria provided, conflicting classifications (1 of 4 stars). 4 submissions from 4 submitters: Pathogenic (1); Likely pathogenic (1); Uncertain significance (1). 1 of the submissions does not count toward it. Last evaluated 2025-08-21.

Conditions:
RNU4ATAC spectrum disorder. Also called: RNU4atac-opathy. Identifiers: MedGen CN377746, MONDO:0100558.
RNU4ATAC-related disorder. Also called: RNU4ATAC-related condition.
Lowry-Wood syndrome (LWS). Identifiers: Orphanet 1824, MedGen C0796021, MONDO:0009191, OMIM 226960.

Allele frequency attached by ClinVar (database versions not stated): TOPMed 0.00002; ExAC 0.00009; 1000 Genomes Project 30x 0.00016; 1000 Genomes Project 0.00020.
gnomAD v4.1: 10 of 692,676 alleles (0.0014%); highest among the groups gnomAD compares: Admixed American, 0.004%; no homozygotes.

Submissions (4):

Broad Center for Mendelian Genomics, Broad Institute of MIT and Harvard
Classification: Likely pathogenic for RNU4ATAC spectrum disorder. Last evaluated: 2025-08-21. Review status: criteria provided, single submitter. Criteria: Ellingford et al. (Genome Med. 2022). Collection method: curation. Allele origin: germline. Inheritance: Autosomal recessive inheritance.
Comment: The heterozygous n.5A>C variant in RNU4ATAC was identified by our study in two individuals with RNU4ATAC spectrum disorder (PMID: 29265708). This variant has not been previously reported in the literature in individuals with RNU4ATAC spectrum disorder, and has been identified in 0.004% (2/49634) of Admixed American chromosomes by the Genome Aggregation Database (gnomAD; dbSNP rs181195449). Although this variant has been seen in the general population in a heterozygous state, its frequency is low enough to be consistent with a recessive carrier frequency. This variant has also been reported in ClinVar (VCV000932367.28) and has been interpreted as a variant of uncertain significance by CeGaT Center for Human Genetics Tuebingen. Of the two affected individuals, one was a compound heterozygote that carried a reported pathogenic variant in trans, which increases the likelihood that the n.5A>C variant is pathogenic (VCV000030184.15). In vitro functional studies provide some evidence that the n.5A>C variant will impact splicing efficiency (PMID: 32628740). However, these types of assays may not accurately represent biological function. The n.5A>C variant is located in the Stem II region of RNU4ATAC where several other variants have been identified, suggesting that this variant is in a functional domain and supports pathogenicity (PMID: 26522830, 32628740). In summary, although additional studies are required to fully establish its clinical significance, this variant is likely pathogenic for autosomal recessive RNU4ATAC spectrum disorder. ACMG/AMP Criteria applied: PM1, PM3, PM2_supporting, PS3_supporting (Richards 2015).

Blueprint Genetics
Classification: Pathogenic for RNU4ATAC-related disorders. Last evaluated: 2023-09-11. Review status: criteria provided, single submitter. Criteria: ACMG Guidelines, 2015. Collection method: clinical testing. Allele origin: germline. Affected: yes. Observed: 5 variant alleles.

CeGaT Center for Human Genetics Tuebingen
Classification: Uncertain significance. Last evaluated: 2020-06-01. Review status: criteria provided, single submitter. Criteria: CeGaT Center For Human Genetics Tuebingen Variant Classification Criteria Version 2. Collection method: clinical testing. Allele origin: germline. Affected: yes. Observed: 1 variant allele.

OMIM
Classification: Pathogenic for LOWRY-WOOD SYNDROME. Last evaluated: 2020-09-11. Review status: no assertion criteria provided. Collection method: literature only. Allele origin: germline. Not counted in ClinVar's aggregate classification.

Literature cited by the submitters: PubMed 32628740 (cited by Broad Center for Mendelian Genomics, Broad Institute of MIT and Harvard); PubMed 29265708 (cited by OMIM).